The following is an entry in ClinVar:

ClinVar aggregate classification (germline): Conflicting classifications of pathogenicity. Review status: criteria provided, conflicting classifications (1 of 4 stars). 2 submissions from 2 submitters: Likely pathogenic (1); Uncertain significance (1). Last evaluated 2024-09-18.

Conditions:
Multiple acyl-CoA dehydrogenase deficiency (MADD). Also called: Glutaric Acidemia type 2; Glutaric aciduria, type 2; Glutaric acidemia type II; GA 2; ETHYLMALONIC-ADIPICACIDURIA; GA II. Identifiers: Orphanet 26791, MedGen C0268596, MONDO:0009282, OMIM 231680.
Glutaric acidemia type 2C.

Allele frequency attached by ClinVar (database versions not stated): gnomAD exomes below 0.00001.
gnomAD v4.1: 5 of 1,614,178 alleles (0.00031%); highest among the groups gnomAD compares: East Asian, 0.0022%; no homozygotes.

Submissions (2):

Natera, Inc.
Classification: Likely pathogenic for Glutaric acidemia type 2C. Last evaluated: 2024-09-18. Review status: criteria provided, single submitter. Criteria: Natera Variant Classification Schema (03/2026). Collection method: clinical testing. Allele origin: germline.
Comment: The c.353G>T variant in ETFDH is a missense variant predicted to cause substitution of cysteine to phenylalanine at amino acid 118. This variant is rare in the general population with a frequency below the threshold expected for the associated phenotype(s). This variant has been observed in one or more individuals affected with the associated recessive disease, as either homozygous or compound heterozygous with a second variant (PMID: 38539320, 34718578, 27060313). This variant has been identified in one or more affected individuals with a phenotype highly consistent with the associated gene (PMID: 38539320). Computational prediction algorithms indicate this variant is likely to affect gene or protein function. Given the available evidence, this variant is classified as Likely Pathogenic.

Labcorp Genetics (formerly Invitae), Labcorp
Classification: Uncertain significance for Multiple acyl-CoA dehydrogenase deficiency. Last evaluated: 2022-10-24. Review status: criteria provided, single submitter. Criteria: Invitae Variant Classification Sherloc (09022015). Collection method: clinical testing. Allele origin: germline.
Comment: This sequence change replaces cysteine, which is neutral and slightly polar, with phenylalanine, which is neutral and non-polar, at codon 118 of the ETFDH protein (p.Cys118Phe). This variant is present in population databases (no rsID available, gnomAD 0.006%). This missense change has been observed in individual(s) with multiple acyl-CoA dehydrogenase deficiency (PMID: 24357026, 27060313). ClinVar contains an entry for this variant (Variation ID: 972056). Advanced modeling of protein sequence and biophysical properties (such as structural, functional, and spatial information, amino acid conservation, physicochemical variation, residue mobility, and thermodynamic stability) performed at Invitae indicates that this missense variant is expected to disrupt ETFDH protein function. In summary, the available evidence is currently insufficient to determine the role of this variant in disease. Therefore, it has been classified as a Variant of Uncertain Significance.

Literature cited by the submitters: PubMed 38539320 (cited by Natera, Inc.); PubMed 34718578 (cited by Natera, Inc.); PubMed 27060313 (cited by Natera, Inc. and Labcorp Genetics (formerly Invitae), Labcorp); PubMed 24357026 (cited by Labcorp Genetics (formerly Invitae), Labcorp).

NM_004453.4(ETFDH):c.353G>T (p.Cys118Phe)

Gene: ETFDH (electron transfer flavoprotein dehydrogenase; plus strand). Cytogenetic location: 4q32.1.
Variant type: single nucleotide variant.
Coding change: c.353G>T on transcript NM_004453.4 (MANE Select); coding-DNA position 353, G replaced by T.
Protein change: p.Cys118Phe; replaces cysteine 118 with phenylalanine.
Molecular consequence: missense variant.
Genome position (GRCh38, 1-based): chr4:158,682,372, G>T. VCF-style: chr4-158682372-G-T. GRCh37 (hg19) VCF-style: chr4-159603524-G-T.
Other names: c.212G>T, p.Cys71Phe (NM_001281737.2); c.170G>T, p.Cys57Phe (NM_001281738.1); short protein forms C71F, C118F, C57F.
Identifiers: ClinVar variation 972056 (VCV000972056.7), dbSNP rs1467428857, ClinGen allele CA358574418.